The following is an entry in ClinVar:

ClinVar aggregate classification (germline): Uncertain significance (1 of 4 stars; one submission).

Conditions:
Costello syndrome (CSTLO). Also called: FACIOCUTANEOSKELETAL SYNDROME; FCS SYNDROME; HRAS-Related Costello Syndrome. Identifiers: Orphanet 3071, MedGen C0587248, MONDO:0009026, OMIM 218040.

Submission:

Labcorp Genetics (formerly Invitae), Labcorp
Classification: Uncertain significance for Costello syndrome. Last evaluated: 2021-07-05. Review status: criteria provided, single submitter. Criteria: Invitae Variant Classification Sherloc (09022015). Collection method: clinical testing. Allele origin: germline.
Comment: This variant is not present in population databases (ExAC no frequency). This sequence change replaces isoleucine with phenylalanine at codon 139 of the HRAS protein (p.Ile139Phe). The isoleucine residue is highly conserved and there is a small physicochemical difference between isoleucine and phenylalanine. This variant has not been reported in the literature in individuals with HRAS-related conditions. In summary, the available evidence is currently insufficient to determine the role of this variant in disease. Therefore, it has been classified as a Variant of Uncertain Significance. Advanced modeling of protein sequence and biophysical properties (such as structural, functional, and spatial information, amino acid conservation, physicochemical variation, residue mobility, and thermodynamic stability) performed at Invitae indicates that this missense variant is not expected to disrupt HRAS protein function.

NM_005343.4(HRAS):c.415A>T (p.Ile139Phe)

Genes: HRAS (HRas proto-oncogene, GTPase; minus strand), LRRC56 (leucine rich repeat containing 56; plus strand). Cytogenetic location: 11p15.5.
Variant type: single nucleotide variant.
Coding change: c.415A>T on transcript NM_005343.4 (MANE Select); coding-DNA position 415, A replaced by T.
Protein change: p.Ile139Phe; replaces isoleucine 139 with phenylalanine.
Molecular consequence: missense variant. On other transcripts: synonymous variant (1).
Genome position (GRCh38, 1-based): chr11:533,488, T>A on the plus strand (A>T on the coding strand, the complement: HRAS is on the minus strand). VCF-style: chr11-533488-T-A. GRCh37 (hg19) VCF-style: chr11-533488-T-A.
Other names: c.415A>T, p.Ile139Phe (NM_001130442.3, NM_176795.5); c.96A>T, p.Ala32= (NM_001318054.2); short protein forms I139F.
Identifiers: ClinVar variation 1430912 (VCV001430912.8), dbSNP rs2133986598, ClinGen allele CA378922921.